The following is an entry in ClinVar:

ClinVar aggregate classification (germline): Pathogenic (1 of 4 stars; one submission).

Conditions:
Idiopathic Pulmonary Fibrosis. Also called: Idiopathic fibrosing alveolitis, chronic form; idiopathic fibrosing alveolitis. Identifiers: Orphanet 2032, MedGen C1800706, MeSH D054990, MONDO:0800504.
Dyskeratosis congenita, autosomal dominant 2. Identifiers: MedGen C3151443, MONDO:0013521, OMIM 613989.

Submission:

Labcorp Genetics (formerly Invitae), Labcorp
Classification: Pathogenic for Dyskeratosis congenita, autosomal dominant 2; Idiopathic Pulmonary Fibrosis. Last evaluated: 2024-10-07. Review status: criteria provided, single submitter. Criteria: Invitae Variant Classification Sherloc (09022015). Collection method: clinical testing. Allele origin: germline.
Comment: This sequence change creates a premature translational stop signal (p.Glu484*) in the TERT gene. It is expected to result in an absent or disrupted protein product. Loss-of-function variants in TERT are known to be pathogenic (PMID: 16247010, 17460043). This variant is not present in population databases (gnomAD no frequency). This variant has not been reported in the literature in individuals affected with TERT-related conditions. ClinVar contains an entry for this variant (Variation ID: 656696). For these reasons, this variant has been classified as Pathogenic.

Literature cited by the submitters: PubMed 16247010; PubMed 17460043.

NM_198253.3(TERT):c.1450G>T (p.Glu484Ter)

Gene: TERT (telomerase reverse transcriptase; minus strand). Cytogenetic location: 5p15.33.
Variant type: single nucleotide variant.
Coding change: c.1450G>T on transcript NM_198253.3 (MANE Select); coding-DNA position 1450, G replaced by T.
Protein change: p.Glu484Ter; replaces glutamic acid 484 with a stop codon.
Molecular consequence: nonsense. On other transcripts: non-coding transcript variant (2).
Genome position (GRCh38, 1-based): chr5:1,293,436, C>A on the plus strand (G>T on the coding strand, the complement: TERT is on the minus strand). VCF-style: chr5-1293436-C-A. GRCh37 (hg19) VCF-style: chr5-1293551-C-A.
Other names: c.1450G>T, p.Glu484Ter (NM_001193376.3); short protein forms E484*.
Identifiers: ClinVar variation 656696 (VCV000656696.7), dbSNP rs1561213355, ClinGen allele CA359085571.